The following is an entry in ClinVar:

NM_001365276.2(TNXB):c.2177G>A (p.Arg726Gln)

Gene: TNXB (tenascin XB; minus strand). Cytogenetic location: 6p21.33.
Variant type: single nucleotide variant.
Coding change: c.2177G>A on transcript NM_001365276.2 (MANE Select); coding-DNA position 2177, G replaced by A.
Protein change: p.Arg726Gln; replaces arginine 726 with glutamine.
Molecular consequence: missense variant.
Genome position (GRCh38, 1-based): chr6:32,095,676, C>T on the plus strand (G>A on the coding strand, the complement: TNXB is on the minus strand). VCF-style: chr6-32095676-C-T. GRCh37 (hg19) VCF-style: chr6-32063453-C-T.
Other names: c.2177G>A, p.Arg726Gln (NM_001428335.1, NM_019105.8); short protein forms R726Q.
Identifiers: ClinVar variation 3809298 (VCV003809298.1).

ClinVar aggregate classification (germline): Uncertain significance (1 of 4 stars; one submission).

Conditions:
Cardiovascular phenotype. Identifiers: MedGen CN230736.

gnomAD v4.1: 1 of 1,614,060 alleles (0.000062%); highest among the groups gnomAD compares: African/African-American, 0.0013%; no homozygotes.

Submission:

Ambry Genetics
Classification: Uncertain significance for Cardiovascular phenotype. Last evaluated: 2025-01-13. Review status: criteria provided, single submitter. Criteria: Ambry Variant Classification Scheme 2023. Collection method: clinical testing. Allele origin: germline.
Comment: The p.R726Q variant (also known as c.2177G>A), located in coding exon 2 of the TNXB gene, results from a G to A substitution at nucleotide position 2177. The arginine at codon 726 is replaced by glutamine, an amino acid with highly similar properties. This amino acid position is conserved. In addition, this alteration is predicted to be tolerated by in silico analysis. Based on the available evidence, the clinical significance of this variant remains unclear.